The following is an entry in ClinVar:

ClinVar aggregate classification (germline): Uncertain significance (1 of 4 stars; one submission).

Submission:

Women's Health and Genetics/Laboratory Corporation of America, LabCorp
Classification: Uncertain significance. Last evaluated: 2022-04-29. Review status: criteria provided, single submitter. Criteria: LabCorp Variant Classification Summary - May 2015. Collection method: clinical testing. Allele origin: germline.
Comment: Variant summary: COPA c.1077-4_1077-3dupCT alters a nucleotide located close to a canonical splice site and therefore could affect mRNA splicing, leading to a significantly altered protein sequence. 4/4 computational tools predict no significant impact on normal splicing. However, these predictions have yet to be confirmed by functional studies. The variant allele was found at a frequency of 2.9e-05 (i.e. 7 heterozygous carriers) in 238460 control chromosomes (gnomAD v2.1, exomes dataset). The available data on variant occurrences in the general population are insufficient to allow any conclusion about variant significance. To our knowledge, no occurrence of c.1077-4_1077-3dupCT in individuals affected with Autoimmune Interstitial Lung Disease-Arthritis Syndrome and no experimental evidence demonstrating its impact on protein function have been reported. No clinical diagnostic laboratories have submitted clinical-significance assessments for this variant to ClinVar after 2014. Based on the evidence outlined above, the variant was classified as VUS-possibly benign.

NM_004371.4(COPA):c.1077-6CT[3]

Gene: COPA (COPI coat complex subunit alpha; minus strand). Cytogenetic location: 1q23.2.
Variant type: Microsatellite.
Coding change: c.1077-6CT[3] on transcript NM_004371.4 (MANE Select); three copies in a row of the 2-base unit CT starting at c.1077-6; the reference has two copies in a row; one copy, 2 bases duplicated.
Molecular consequence: intron variant.
Genome position (GRCh38, 1-based): chr1:160,310,261-160,310,262, AG duplicated on the plus strand (CT on the coding strand, the reverse complement: COPA is on the minus strand); duplicating any 2 consecutive bases within chr1:160,310,261-160,310,265 gives the same sequence; the position shown is the placement nearest the transcript's 3' end. VCF-style (leftmost placement, unchanged base first): chr1-160310260-T-TAG. GRCh37 (hg19) VCF-style: chr1-160280050-T-TAG.
Other names: c.1077-6CT[3] (NM_001098398.2).
Identifiers: ClinVar variation 1683305 (VCV001683305.1), dbSNP rs750537666, ClinGen allele CA1198204.